The following is an entry in ClinVar:

NM_017547.4(FOXRED1):c.754C>T (p.Arg252Cys)

Gene: FOXRED1 (FAD dependent oxidoreductase domain containing 1; plus strand). Cytogenetic location: 11q24.2.
Variant type: single nucleotide variant.
Coding change: c.754C>T on transcript NM_017547.4 (MANE Select); coding-DNA position 754, C replaced by T.
Protein change: p.Arg252Cys; replaces arginine 252 with cysteine.
Molecular consequence: missense variant. On other transcripts: non-coding transcript variant (2).
Genome position (GRCh38, 1-based): chr11:126,275,814, C>T. VCF-style: chr11-126275814-C-T. GRCh37 (hg19) VCF-style: chr11-126145709-C-T.
Other names: short protein forms R252C.
Identifiers: ClinVar variation 445528 (VCV000445528.14), dbSNP rs146661281, ClinGen allele CA6354204.

ClinVar aggregate classification (germline): Conflicting classifications of pathogenicity. Review status: criteria provided, conflicting classifications (1 of 4 stars). 5 submissions from 5 submitters: Uncertain significance (4); Likely benign (1). Last evaluated 2026-01-19.

Conditions:
Leigh syndrome (NULS). Also called: Leigh Disease; Subacute necrotizing encephalopathy; Necrotizing encephalopathy infantile subacute of Leigh; Leigh's syndrome; Leigh's necrotizing encephalopathy; Leigh's disease. Identifiers: Orphanet 506, MedGen C2931891, MONDO:0009723, OMIM 256000.
Mitochondrial complex I deficiency, nuclear type 1. Also called: NADH-COENZYME Q REDUCTASE DEFICIENCY; MITOCHONDRIAL NADH DEHYDROGENASE COMPONENT OF COMPLEX I, DEFICIENCY OF. Identifiers: MedGen C6022305, MONDO:0100224, OMIM 252010.
Inborn genetic diseases. Identifiers: MedGen C0950123, MeSH D030342.

Allele frequency attached by ClinVar (database versions not stated): ESP Exome Variant Server 0.00031; TOPMed 0.00031; gnomAD 0.00029 and 0.00033; gnomAD exomes 0.00003 and 0.00008; ExAC 0.00009.

Submissions (5):

Labcorp Genetics (formerly Invitae), Labcorp
Classification: Likely benign. Last evaluated: 2026-01-19. Review status: criteria provided, single submitter. Criteria: Invitae Variant Classification Sherloc (09022015). Collection method: clinical testing. Allele origin: germline.

Ambry Genetics
Classification: Uncertain significance for Inborn genetic diseases. Last evaluated: 2024-01-02. Review status: criteria provided, single submitter. Criteria: Ambry Variant Classification Scheme 2023. Collection method: clinical testing. Allele origin: germline.

GeneDx
Classification: Uncertain significance. Last evaluated: 2021-08-18. Review status: criteria provided, single submitter. Criteria: GeneDx Variant Classification Process June 2021. Collection method: clinical testing. Allele origin: germline. Affected: yes.
Comment: In silico analysis supports that this missense variant does not alter protein structure/function; Has not been previously published as pathogenic or benign to our knowledge; This variant is associated with the following publications: (PMID: 27535533, 25741868)

Fulgent Genetics
Classification: Uncertain significance for Mitochondrial complex I deficiency, nuclear type 1; Leigh syndrome. Last evaluated: 2018-10-31. Review status: criteria provided, single submitter. Criteria: ACMG Guidelines, 2015. Collection method: clinical testing. Allele origin: unknown.

Center for Pediatric Genomic Medicine, Children's Mercy Hospital and Clinics
Classification: Uncertain significance. Last evaluated: 2017-06-15. Review status: criteria provided, single submitter. Criteria: ACMG Guidelines, 2015. Collection method: clinical testing. Allele origin: germline.